The following is an entry in ClinVar:

ClinVar aggregate classification (germline): Pathogenic. Review status: criteria provided, multiple submitters, no conflicts (2 of 4 stars). 2 submissions from 2 submitters: Pathogenic (2). Last evaluated 2022-12-22.

Conditions:
Anemia, congenital dyserythropoietic, type 1a (CDAN1A). Also called: DYSERYTHROPOIETIC ANEMIA, CONGENITAL, TYPE Ia; CDAN1-Related Congenital Dyserythropoietic Anemia. Identifiers: MedGen C5574667, MONDO:0009135, OMIM 224120.

Submissions (2):

Labcorp Genetics (formerly Invitae), Labcorp
Classification: Pathogenic. Last evaluated: 2022-12-22. Review status: criteria provided, single submitter. Criteria: Invitae Variant Classification Sherloc (09022015). Collection method: clinical testing. Allele origin: germline.
Comment: For these reasons, this variant has been classified as Pathogenic. ClinVar contains an entry for this variant (Variation ID: 1322044). This variant has not been reported in the literature in individuals affected with CDAN1-related conditions. This variant is not present in population databases (gnomAD no frequency). This sequence change creates a premature translational stop signal (p.Glu951Glyfs*52) in the CDAN1 gene. It is expected to result in an absent or disrupted protein product. Loss-of-function variants in CDAN1 are known to be pathogenic (PMID: 16098079, 16141353).

Revvity Omics, Revvity
Classification: Pathogenic for Anemia, congenital dyserythropoietic, type 1a. Last evaluated: 2020-07-24. Review status: criteria provided, single submitter. Criteria: ACMG Guidelines, 2015. Collection method: clinical testing. Allele origin: germline.

Literature cited by the submitters: PubMed 16098079 (cited by Labcorp Genetics (formerly Invitae), Labcorp); PubMed 16141353 (cited by Labcorp Genetics (formerly Invitae), Labcorp).

NM_138477.4(CDAN1):c.2852_2853del (p.Glu951fs)

Gene: CDAN1 (codanin 1; minus strand). Cytogenetic location: 15q15.2.
Variant type: Microsatellite.
Coding change: c.2852_2853del on transcript NM_138477.4 (MANE Select); coding-DNA positions 2852 to 2853, 2 bases deleted (AG; older notation c.2852_2853delAG).
Protein change: p.Glu951fs; shifts the reading frame from glutamic acid 951.
Molecular consequence: frameshift variant.
Genome position (GRCh38, 1-based): chr15:42,728,219-42,728,220, CT deleted on the plus strand (AG on the coding strand, the reverse complement: CDAN1 is on the minus strand); deleting any 2 consecutive bases within chr15:42,728,219-42,728,222 gives the same sequence; the c. name uses the placement nearest the transcript's 3' end. VCF-style (leftmost placement, unchanged base first): chr15-42728218-CCT-C. GRCh37 (hg19) VCF-style: chr15-43020416-CCT-C.
Other names: short protein forms E951fs.
Identifiers: ClinVar variation 1322044 (VCV001322044.7), dbSNP rs2140471687, ClinGen allele CA2580613798.